The following is an entry in ClinVar:

ClinVar aggregate classification (germline): Likely pathogenic (0 of 4 stars; one submission).

Conditions:
ACTB-related disorder. Also called: ACTB-related condition; ACTB-related disorders.

Submission:

PreventionGenetics, part of Exact Sciences
Classification: Likely pathogenic for ACTB-related condition. Last evaluated: 2023-12-15. Review status: no assertion criteria provided. Collection method: clinical testing. Allele origin: germline.
Comment: The ACTB c.1010dupA variant is predicted to result in premature protein termination (p.Tyr337*). To our knowledge, this variant has not been reported in the literature or in a large population database, indicating this variant is rare. Nonsense variants in ACTB are expected to be pathogenic. This variant is interpreted as likely pathogenic.

NM_001101.5(ACTB):c.1010dup (p.Tyr337Ter)

Gene: ACTB (actin beta; minus strand). Cytogenetic location: 7p22.1.
Variant type: Duplication.
Coding change: c.1010dup on transcript NM_001101.5 (MANE Select); coding-DNA position 1010, one base duplicated (A; older notation c.1010dupA).
Protein change: p.Tyr337Ter; replaces tyrosine 337 with a stop codon.
Molecular consequence: nonsense. On other transcripts: frameshift variant (1).
Genome position (GRCh38, 1-based): chr7:5,527,866, T duplicated on the plus strand (A on the coding strand, the reverse complement: ACTB is on the minus strand). VCF-style (leftmost placement, unchanged base first): chr7-5527865-G-GT. GRCh37 (hg19) VCF-style: chr7-5567496-G-GT.
Other names: c.1010dupA (NM_001101.3); short protein forms Y337*.
Identifiers: ClinVar variation 3028959 (VCV003028959.2), dbSNP rs2533846008, ClinGen allele CA2740097297.